The following is an entry in ClinVar:

ClinVar aggregate classification (germline): Uncertain significance (1 of 4 stars; one submission).

Conditions:
Gorlin syndrome. Also called: Nevoid Basal Cell Carcinoma Syndrome; Basal cell nevus syndrome. Identifiers: Orphanet 377, MedGen C0004779, MONDO:0007187.
Medulloblastoma (MDB). Also called: MEDULLOBLASTOMA PREDISPOSITION SYNDROME; Medulloblastoma, somatic. Identifiers: Orphanet 616, MedGen C0025149, MeSH D008527, MONDO:0007959, OMIM 155255, HP:0002885.

Submission:

Labcorp Genetics (formerly Invitae), Labcorp
Classification: Uncertain significance for Gorlin syndrome; Medulloblastoma. Last evaluated: 2023-04-02. Review status: criteria provided, single submitter. Criteria: Invitae Variant Classification Sherloc (09022015). Collection method: clinical testing. Allele origin: germline.
Comment: This variant is not present in population databases (gnomAD no frequency). This variant has not been reported in the literature in individuals affected with SUFU-related conditions. Advanced modeling of protein sequence and biophysical properties (such as structural, functional, and spatial information, amino acid conservation, physicochemical variation, residue mobility, and thermodynamic stability) performed at Invitae indicates that this missense variant is not expected to disrupt SUFU protein function. In summary, the available evidence is currently insufficient to determine the role of this variant in disease. Therefore, it has been classified as a Variant of Uncertain Significance. This sequence change replaces serine, which is neutral and polar, with tyrosine, which is neutral and polar, at codon 81 of the SUFU protein (p.Ser81Tyr).

NM_016169.4(SUFU):c.242C>A (p.Ser81Tyr)

Gene: SUFU (SUFU negative regulator of hedgehog signaling; plus strand). Cytogenetic location: 10q24.32.
Variant type: single nucleotide variant.
Coding change: c.242C>A on transcript NM_016169.4 (MANE Select); coding-DNA position 242, C replaced by A.
Protein change: p.Ser81Tyr; replaces serine 81 with tyrosine.
Molecular consequence: missense variant.
Genome position (GRCh38, 1-based): chr10:102,509,228, C>A. VCF-style: chr10-102509228-C-A. GRCh37 (hg19) VCF-style: chr10-104268985-C-A.
Other names: c.242C>A, p.Ser81Tyr (NM_001178133.2); short protein forms S81Y.
Identifiers: ClinVar variation 2946053 (VCV002946053.3), dbSNP rs2062368817, ClinGen allele CA377888644.